The following is an entry in ClinVar:

ClinVar aggregate classification (germline): Uncertain significance (1 of 4 stars; one submission).

Conditions:
Mucopolysaccharidosis type 6 (MPS6). Also called: N-ACETYLGALACTOSAMINE-4-SULFATASE DEFICIENCY; MPS 6; Maroteaux Lamy syndrome; MPS VI; ARSB DEFICIENCY; ARYLSULFATASE B DEFICIENCY. Identifiers: Orphanet 583, MedGen C0026709, MONDO:0009661, OMIM 253200.

gnomAD v4.1: 1 of 1,614,138 alleles (0.000062%); highest among the groups gnomAD compares: South Asian, 0.0011%; no homozygotes.

Submission:

Juno Genomics, Hangzhou Juno Genomics, Inc
Classification: Uncertain significance for Mucopolysaccharidosis type 6. Review status: criteria provided, single submitter. Criteria: ACMG Guidelines, 2015. Collection method: clinical testing. Allele origin: germline.
Comment: Absent from controls (or at extremely low frequency if recessive) in Genome Aggregation Database.;Multiple lines of computational evidence support a deleterious effect on the gene or gene product.

NM_000046.5(ARSB):c.966G>C (p.Trp322Cys)

Gene: ARSB (arylsulfatase B; minus strand). Cytogenetic location: 5q14.1.
Variant type: single nucleotide variant.
Coding change: c.966G>C on transcript NM_000046.5 (MANE Select); coding-DNA position 966, G replaced by C.
Protein change: p.Trp322Cys; replaces tryptophan 322 with cysteine.
Molecular consequence: missense variant.
Genome position (GRCh38, 1-based): chr5:78,885,760, C>G on the plus strand (G>C on the coding strand, the complement: ARSB is on the minus strand). VCF-style: chr5-78885760-C-G. GRCh37 (hg19) VCF-style: chr5-78181583-C-G.
Other names: c.966G>C, p.Trp322Cys (NM_198709.3); short protein forms W322C.
Identifiers: ClinVar variation 5006927 (VCV005006927.2).